The following is an entry in ClinVar:

NM_006031.6(PCNT):c.3367_3372del (p.Leu1123_Glu1124del)

Gene: PCNT (pericentrin; plus strand). Cytogenetic location: 21q22.3.
Variant type: Deletion.
Coding change: c.3367_3372del on transcript NM_006031.6 (MANE Select); coding-DNA positions 3367 to 3372, 6 bases deleted (TTGGAG; older notation c.3367_3372delTTGGAG).
Protein change: p.Leu1123_Glu1124del.
Molecular consequence: inframe deletion.
Genome position (GRCh38, 1-based): chr21:46,385,886-46,385,891, TTGGAG deleted; deleting any 6 consecutive bases within chr21:46,385,883-46,385,891 gives the same sequence; the c. name uses the placement nearest the transcript's 3' end. VCF-style (leftmost placement, unchanged base first): chr21-46385882-CGAGTTG-C. GRCh37 (hg19) VCF-style: chr21-47805797-CGAGTTG-C.
Other names: c.3013_3018del, p.Leu1005_Glu1006del (NM_001315529.2).
Identifiers: ClinVar variation 2795937 (VCV002795937.3), dbSNP rs2085813459, ClinGen allele CA2392651435.

ClinVar aggregate classification (germline): Uncertain significance (1 of 4 stars; one submission).

Submission:

Labcorp Genetics (formerly Invitae), Labcorp
Classification: Uncertain significance. Last evaluated: 2023-12-13. Review status: criteria provided, single submitter. Criteria: Invitae Variant Classification Sherloc (09022015). Collection method: clinical testing. Allele origin: germline.
Comment: This variant, c.3367_3372del, results in the deletion of 2 amino acid(s) of the PCNT protein (p.Leu1123_Glu1124del), but otherwise preserves the integrity of the reading frame. This variant is not present in population databases (gnomAD no frequency). This variant has not been reported in the literature in individuals affected with PCNT-related conditions. In summary, the available evidence is currently insufficient to determine the role of this variant in disease. Therefore, it has been classified as a Variant of Uncertain Significance.